The following is an entry in ClinVar:

NM_052884.3(SIGLEC11):c.1275C>T (p.Pro425=)

Gene: SIGLEC11 (sialic acid binding Ig like lectin 11; minus strand). Cytogenetic location: 19q13.33.
Variant type: single nucleotide variant.
Coding change: c.1275C>T on transcript NM_052884.3 (MANE Select); coding-DNA position 1275, C replaced by T.
Protein change: p.Pro425=; no amino-acid change (proline 425 retained).
Molecular consequence: synonymous variant.
Genome position (GRCh38, 1-based): chr19:49,958,731, G>A on the plus strand (C>T on the coding strand, the complement: SIGLEC11 is on the minus strand). VCF-style: chr19-49958731-G-A. GRCh37 (hg19) VCF-style: chr19-50461988-G-A.
Other names: c.1275C>T, p.Pro425= (NM_001135163.1).
Identifiers: ClinVar variation 2650293 (VCV002650293.24), dbSNP rs747814700, ClinGen allele CA9589863.

ClinVar aggregate classification (germline): Likely benign (1 of 4 stars; one submission).

gnomAD v4.1: 36 of 1,613,670 alleles (0.0022%); highest among the groups gnomAD compares: Non-Finnish European, 0.0031%; no homozygotes.

Submission:

CeGaT Center for Human Genetics Tuebingen
Classification: Likely benign. Last evaluated: 2022-09-01. Review status: criteria provided, single submitter. Criteria: CeGaT Center For Human Genetics Tuebingen Variant Classification Criteria Version 2. Collection method: clinical testing. Allele origin: germline. Affected: yes. Observed: 1 variant allele.
Comment: SIGLEC11: BP4, BP7